The following is an entry in ClinVar:

ClinVar aggregate classification (germline): Uncertain significance (1 of 4 stars; one submission).

Submission:

GeneDx
Classification: Uncertain significance. Last evaluated: 2025-05-09. Review status: criteria provided, single submitter. Criteria: GeneDx Variant Classification Process June 2021. Collection method: clinical testing. Allele origin: germline. Affected: yes.
Comment: Not observed at significant frequency in large population cohorts (gnomAD); In silico analysis supports that this missense variant has a deleterious effect on protein structure/function; Has not been previously published as pathogenic or benign to our knowledge; Also known as K230E; This variant is associated with the following publications: (PMID: 39930093, 19302049)

NM_001243133.2(NLRP3):c.688A>G (p.Lys230Glu)

Gene: NLRP3 (NLR family pyrin domain containing 3; plus strand). Cytogenetic location: 1q44.
Variant type: single nucleotide variant.
Coding change: c.688A>G on transcript NM_001243133.2 (MANE Select); coding-DNA position 688, A replaced by G.
Protein change: p.Lys230Glu; replaces lysine 230 with glutamic acid.
Molecular consequence: missense variant.
Genome position (GRCh38, 1-based): chr1:247,424,137, A>G. VCF-style: chr1-247424137-A-G. GRCh37 (hg19) VCF-style: chr1-247587439-A-G.
Other names: c.688A>G, p.Lys230Glu (NM_183395.3, NM_001079821.3, NM_001127461.3 and 1 more transcripts); c.694A>G, p.Lys232Glu (NM_004895.5); short protein forms K230E, K232E.
Identifiers: ClinVar variation 4529807 (VCV004529807.1).
Genomic context (GRCh38, chr1:247,424,137, plus strand): 5'-GATGATGAGCATTCTGAGCCTGTGCACACCGTGGTGTTCCAGGGGGCGGCAGGGATTGGG[A>G]AAACAATCCTGGCCAGGAAGATGATGTTGGACTGGGCGTCGGGGACACTCTACCAAGACA-3'
Protein context (NP_001230062.1, residues 220-240): VVFQGAAGIG[Lys230Glu]TILARKMMLD